The following is an entry in ClinVar:

NM_024334.3(TMEM43):c.1000+6T>C

Gene: TMEM43 (transmembrane protein 43; plus strand). Cytogenetic location: 3p25.1.
Variant type: single nucleotide variant.
Coding change: c.1000+6T>C on transcript NM_024334.3 (MANE Select); 6 bases into the intron after coding-DNA position 1000, T replaced by C.
Molecular consequence: intron variant.
Genome position (GRCh38, 1-based): chr3:14,139,303, T>C. VCF-style: chr3-14139303-T-C. GRCh37 (hg19) VCF-style: chr3-14180803-T-C.
Identifiers: ClinVar variation 1058864 (VCV001058864.11), dbSNP rs773749788, ClinGen allele CA050878.

ClinVar aggregate classification (germline): Uncertain significance. Review status: criteria provided, multiple submitters, no conflicts (2 of 4 stars). 3 submissions from 3 submitters: Uncertain significance (3). Last evaluated 2023-10-06.

Conditions:
Arrhythmogenic right ventricular dysplasia 5. Also called: Arrhythmogenic Right Ventricular Dysplasia/Cardiomyopathy 5; ARRHYTHMOGENIC RIGHT VENTRICULAR DYSPLASIA, FAMILIAL, 5. Identifiers: MedGen C1858379, MONDO:0011459, OMIM 604400.

Allele frequency attached by ClinVar (database versions not stated): gnomAD exomes below 0.00001; ExAC 0.00001; gnomAD 0.00001 and 0.00003; TOPMed 0.00003.

Submissions (3):

All of Us Research Program, National Institutes of Health
Classification: Uncertain significance for Arrhythmogenic right ventricular dysplasia 5. Last evaluated: 2023-10-06. Review status: criteria provided, single submitter. Criteria: ACMG Guidelines, 2015. Collection method: clinical testing. Allele origin: germline. Inheritance: Autosomal dominant inheritance. Observed: 1 variant allele, 1 heterozygote.
Comment: This variant causes a single nucleotide substitution in intron 11 of the TMEM43 gene. An RNA study has reported no impact on splicing but detailed results are not provided for evaluation (PMID: 36293497). This variant has been reported in an individual affected with sudden cardiac death (PMID: 36293497). This variant has been identified in 2/282684 chromosomes in the general population by the Genome Aggregation Database (gnomAD). The available evidence is insufficient to determine the role of this variant in disease conclusively. Therefore, this variant is classified as a Variant of Uncertain Significance.

This study involves interpretation of variants in research participants for the purpose of population health screening. Participant phenotype was not available at the time of variant classification. Additional details can be found in publication PMID: 35346344, PMCID: PMC8962531

Labcorp Genetics (formerly Invitae), Labcorp
Classification: Uncertain significance for Arrhythmogenic right ventricular dysplasia 5. Last evaluated: 2021-08-15. Review status: criteria provided, single submitter. Criteria: Invitae Variant Classification Sherloc (09022015). Collection method: clinical testing. Allele origin: germline.
Comment: This variant has not been reported in the literature in individuals with TMEM43-related conditions. This sequence change falls in intron 11 of the TMEM43 gene. It does not directly change the encoded amino acid sequence of the TMEM43 protein, but it affects a nucleotide within the consensus splice site of the intron. This variant is present in population databases (rs773749788, ExAC 0.009%). Nucleotide substitutions within the consensus splice site are a relatively common cause of aberrant splicing (PMID: 17576681, 9536098). Algorithms developed to predict the effect of sequence changes on RNA splicing suggest that this variant is not likely to affect RNA splicing, but this prediction has not been confirmed by published transcriptional studies. In summary, the available evidence is currently insufficient to determine the role of this variant in disease. Therefore, it has been classified as a Variant of Uncertain Significance.

GeneDx
Classification: Uncertain significance. Last evaluated: 2019-10-09. Review status: criteria provided, single submitter. Criteria: GeneDx Variant Classification Process June 2021. Collection method: clinical testing. Allele origin: germline. Affected: yes.
Comment: Has not been previously published as pathogenic or benign to our knowledge; Not observed at a significant frequency in large population cohorts (Lek et al., 2016); In silico analysis, which includes splice predictors and evolutionary conservation, supports a deleterious effect; In the absence of RNA/functional studies, the actual effect of this sequence change is unknown; In addition, no splicing variants definitively associated with cardiomyopathy have been reported in the TMEM43 gene in the Human Gene Mutation Database (Stenson et al., 2014)

Literature cited by the submitters: PubMed 36293497 (cited by All of Us Research Program, National Institutes of Health); PubMed 17576681 (cited by Labcorp Genetics (formerly Invitae), Labcorp); PubMed 9536098 (cited by Labcorp Genetics (formerly Invitae), Labcorp).